The following is an entry in ClinVar:

ClinVar aggregate classification (germline): Uncertain significance. Review status: criteria provided, multiple submitters, no conflicts (2 of 4 stars). 2 submissions from 2 submitters: Uncertain significance (2). Last evaluated 2026-01-13.

Conditions:
Hereditary cancer-predisposing syndrome. Also called: Hereditary Cancer Syndrome; Tumor predisposition; Neoplastic Syndromes, Hereditary; Hereditary neoplastic syndrome. Identifiers: Orphanet 140162, MedGen C0027672, MeSH D009386, MONDO:0015356.
Tuberous sclerosis 2 (TSC2). Identifiers: Orphanet 805, MedGen C1860707, MONDO:0013199, OMIM 613254.

Submissions (2):

Ambry Genetics
Classification: Uncertain significance for Hereditary cancer-predisposing syndrome. Last evaluated: 2026-01-13. Review status: criteria provided, single submitter. Criteria: Ambry Variant Classification Scheme 2023. Collection method: clinical testing. Allele origin: germline.
Comment: The p.S660T variant (also known as c.1979G>C), located in coding exon 18 of the TSC2 gene, results from a G to C substitution at nucleotide position 1979. The serine at codon 660 is replaced by threonine, an amino acid with similar properties. This amino acid position is poorly conserved in available vertebrate species. In addition, this alteration is predicted to be tolerated by in silico analysis. Since supporting evidence is limited at this time, the clinical significance of this alteration remains unclear.

Labcorp Genetics (formerly Invitae), Labcorp
Classification: Uncertain significance for Tuberous sclerosis 2. Last evaluated: 2024-04-04. Review status: criteria provided, single submitter. Criteria: Invitae Variant Classification Sherloc (09022015). Collection method: clinical testing. Allele origin: germline.
Comment: This sequence change replaces serine, which is neutral and polar, with threonine, which is neutral and polar, at codon 660 of the TSC2 protein (p.Ser660Thr). This variant is not present in population databases (gnomAD no frequency). This variant has not been reported in the literature in individuals affected with TSC2-related conditions. ClinVar contains an entry for this variant (Variation ID: 858037). Advanced modeling of protein sequence and biophysical properties (such as structural, functional, and spatial information, amino acid conservation, physicochemical variation, residue mobility, and thermodynamic stability) performed at Invitae indicates that this missense variant is not expected to disrupt TSC2 protein function with a negative predictive value of 95%. In summary, the available evidence is currently insufficient to determine the role of this variant in disease. Therefore, it has been classified as a Variant of Uncertain Significance.

NM_000548.5(TSC2):c.1979G>C (p.Ser660Thr)

Gene: TSC2 (TSC complex subunit 2; plus strand). Cytogenetic location: 16p13.3.
Variant type: single nucleotide variant.
Coding change: c.1979G>C on transcript NM_000548.5 (MANE Select); coding-DNA position 1979, G replaced by C.
Protein change: p.Ser660Thr; replaces serine 660 with threonine.
Molecular consequence: missense variant.
Genome position (GRCh38, 1-based): chr16:2,071,816, G>C. VCF-style: chr16-2071816-G-C. GRCh37 (hg19) VCF-style: chr16-2121817-G-C.
Other names: c.1979G>C, p.Ser660Thr (NM_001077183.3, NM_001114382.3, NM_001363528.2 and 3 more transcripts); c.1868G>C, p.Ser623Thr (NM_001318827.2); c.1832G>C, p.Ser611Thr (NM_001318829.2); c.1379G>C, p.Ser460Thr (NM_001318831.2); c.2012G>C, p.Ser671Thr (NM_001318832.2); short protein forms S623T, S671T, S660T, S460T, S611T.
Identifiers: ClinVar variation 858037 (VCV000858037.7), dbSNP rs754504918, ClinGen allele CA394274366.